The following is an entry in ClinVar:

ClinVar aggregate classification (germline): Pathogenic. Review status: criteria provided, multiple submitters, no conflicts (2 of 4 stars). 2 submissions from 2 submitters: Pathogenic (2). Last evaluated 2024-10-14.

Conditions:
Familial hypobetalipoproteinemia 1. Also called: Hypobetalipoproteinemia, normotriglyceridemic; Acanthocytosis with hypobetalipoproteinemia; APOB-Related Familial Hypobetalipoproteinemia. Identifiers: MedGen C4551990, MONDO:0014252, OMIM 615558.
Hypercholesterolemia, autosomal dominant, type B (FHCL2). Also called: APOB-Related Familial Hypercholesterolemia, Autosomal Dominant; Familial Hypercholesterolemia Type B; APOLIPOPROTEIN B-100, FAMILIAL DEFECTIVE; APOLIPOPROTEIN B-100, FAMILIAL LIGAND-DEFECTIVE; HYPERCHOLESTEROLEMIA, FAMILIAL, DUE TO LIGAND-DEFECTIVE APOLIPOPROTEIN B; Familial hypercholesterolemia 2. Identifiers: MedGen C1704417, MONDO:0007751, OMIM 144010.

Submissions (2):

Quest Diagnostics Nichols Institute San Juan Capistrano
Classification: Pathogenic. Last evaluated: 2024-10-14. Review status: criteria provided, single submitter. Criteria: Quest Diagnostics criteria. Collection method: clinical testing. Allele origin: unknown.
Comment: The APOB c.133C>T (p.Arg45*) variant causes the premature termination of APOB protein synthesis. In the published literature, this variant has been reported in multiple individuals with hypobetalipoproteinemia (PMIDs: 39100627 (2024), 34852964 (2021), 30782561 (2019)), which is a condition typically characterized by abnormally low plasma LDL-cholesterol levels and fatty liver disease. This variant has not been reported in large, multi-ethnic general populations (Genome Aggregation Database). Based on the available information, this variant is classified as pathogenic for hypobetalipoproteinemia. However, since hypobetalipoproteinemia has been shown to be associated with reduced cholesterol levels and decreased cardiovascular risk (PMIDs: 32039990 (2020), 30939045 (2019), 16002743 (2005)), and mitigated the presentation of hypercholesterolemia in one individual (PMID: 36003908 (2022)), the clinical significance of the c.133C>T (p.Arg45*) variant in hypercholesterolemia is currently unclear.

Labcorp Genetics (formerly Invitae), Labcorp
Classification: Pathogenic for Familial hypobetalipoproteinemia 1; Hypercholesterolemia, autosomal dominant, type B. Last evaluated: 2022-08-27. Review status: criteria provided, single submitter. Criteria: Invitae Variant Classification Sherloc (09022015). Collection method: clinical testing. Allele origin: germline.
Comment: For these reasons, this variant has been classified as Pathogenic. This premature translational stop signal has been observed in individual(s) with hypobetalipoproteinemia (PMID: 30782561). This variant is not present in population databases (gnomAD no frequency). This sequence change creates a premature translational stop signal (p.Arg45*) in the APOB gene. It is expected to result in an absent or disrupted protein product. Loss-of-function variants in APOB are known to be pathogenic (PMID: 20032471).

Literature cited by the submitters: PubMed 30782561 (cited by Quest Diagnostics Nichols Institute San Juan Capistrano and Labcorp Genetics (formerly Invitae), Labcorp); PubMed 39100627 (cited by Quest Diagnostics Nichols Institute San Juan Capistrano); PubMed 34852964 (cited by Quest Diagnostics Nichols Institute San Juan Capistrano); PubMed 20032471 (cited by Labcorp Genetics (formerly Invitae), Labcorp).

NM_000384.3(APOB):c.133C>T (p.Arg45Ter)

Genes: APOB (apolipoprotein B; minus strand), LOC106560211 (APOB 5' regulatory region; plus strand). Cytogenetic location: 2p24.1.
Variant type: single nucleotide variant.
Coding change: c.133C>T on transcript NM_000384.3 (MANE Select); coding-DNA position 133, C replaced by T.
Protein change: p.Arg45Ter; replaces arginine 45 with a stop codon.
Molecular consequence: nonsense.
Genome position (GRCh38, 1-based): chr2:21,042,465, G>A on the plus strand (C>T on the coding strand, the complement: APOB is on the minus strand). VCF-style: chr2-21042465-G-A. GRCh37 (hg19) VCF-style: chr2-21265337-G-A.
Other names: c.133C>T (NM_000384.2); short protein forms R45*.
Identifiers: ClinVar variation 1957134 (VCV001957134.6), dbSNP rs779776455, ClinGen allele CA345965278.